The following is an entry in ClinVar:

NM_016729.3(FOLR1):c.9G>A (p.Gln3=)

Genes: FOLR1-AS1 (FOLR1 antisense RNA 1; minus strand), FOLR1 (folate receptor alpha; plus strand). Cytogenetic location: 11q13.4.
Variant type: single nucleotide variant.
Coding change: c.9G>A on transcript NM_016729.3 (MANE Select); coding-DNA position 9, G replaced by A.
Protein change: p.Gln3=; no amino-acid change (glutamine 3 retained).
Molecular consequence: synonymous variant.
Genome position (GRCh38, 1-based): chr11:72,192,182, G>A. VCF-style: chr11-72192182-G-A. GRCh37 (hg19) VCF-style: chr11-71903226-G-A.
Other names: c.9G>A, p.Gln3= (NM_000802.3, NM_016724.3, NM_016725.3).
Identifiers: ClinVar variation 516078 (VCV000516078.2), dbSNP rs1555068614, ClinGen allele CA475595281.
Genomic context (GRCh38, chr11:72,192,182, plus strand): 5'-ACCTCCGCATTCCTTGGTGCCACTGACCACAGCTCTTTCTTCAGGGACAGACATGGCTCA[G>A]CGGATGACAACACAGCTGCTGCTCCTTCTAGTGTGGGTGGCTGTAGTAGGGGAGGCTCAG-3'
Protein context (NP_057941.1, residues 1-13): MA[Gln3=]RMTTQLLLLL

ClinVar aggregate classification (germline): Likely benign. Review status: criteria provided, multiple submitters, no conflicts (2 of 4 stars). 2 submissions from 2 submitters: Likely benign (2). Last evaluated 2025-08-20.

Conditions:
Cerebral folate transport deficiency. Also called: Neurodegenerative syndrome due to cerebral folate transport deficiency; NEURODEGENERATION DUE TO CEREBRAL FOLATE TRANSPORT DEFICIENCY; FOLR1-Related Cerebral Folate Transport Deficiency; FOLATE RECEPTOR DEFICIENCY; Cerebral folate deficiency syndrome. Identifiers: Orphanet 217382, MedGen C2751584, MONDO:0013110, OMIM 613068. Disease mechanism: loss of function.

Allele frequency attached by ClinVar (database versions not stated): gnomAD exomes below 0.00001; TOPMed below 0.00001; gnomAD 0.00001.
gnomAD v4.1: 2 of 1,614,078 alleles (0.00012%); highest among the groups gnomAD compares: Non-Finnish European, 0.00017%; no homozygotes.

Submissions (2):

Labcorp Genetics (formerly Invitae), Labcorp
Classification: Likely benign for Cerebral folate transport deficiency. Last evaluated: 2025-08-20. Review status: criteria provided, single submitter. Criteria: Invitae Variant Classification Sherloc (09022015). Collection method: clinical testing. Allele origin: germline.

GeneDx
Classification: Likely benign. Last evaluated: 2018-01-26. Review status: criteria provided, single submitter. Criteria: GeneDx Variant Classification (06012015). Collection method: clinical testing. Allele origin: germline. Affected: yes.
Comment: This variant is considered likely benign or benign based on one or more of the following criteria: it is a conservative change, it occurs at a poorly conserved position in the protein, it is predicted to be benign by multiple in silico algorithms, and/or has population frequency not consistent with disease.